The following is an entry in ClinVar:

ClinVar aggregate classification (germline): Pathogenic (1 of 4 stars; one submission).

Conditions:
Familial cancer of breast. Also called: Hereditary breast cancer; hereditary breast carcinoma; BREAST CANCER, FAMILIAL. Identifiers: Orphanet 227535, MedGen C0346153, MONDO:0016419, OMIM 114480. Disease mechanism: loss of function.

Submission:

Labcorp Genetics (formerly Invitae), Labcorp
Classification: Pathogenic for Familial cancer of breast. Last evaluated: 2018-12-12. Review status: criteria provided, single submitter. Criteria: Invitae Variant Classification Sherloc (09022015). Collection method: clinical testing. Allele origin: germline.
Comment: For these reasons, this variant has been classified as Pathogenic. Loss-of-function variants in CHEK2 are known to be pathogenic (PMID: 21876083, 24713400). This variant has not been reported in the literature in individuals with CHEK2-related conditions. This variant is not present in population databases (ExAC no frequency). This sequence change creates a premature translational stop signal (p.Glu340Alafs*4) in the CHEK2 gene. It is expected to result in an absent or disrupted protein product.

Literature cited by the submitters: PubMed 21876083; PubMed 24713400.

NM_007194.4(CHEK2):c.1019_1034del (p.Glu340fs)

Gene: CHEK2 (checkpoint kinase 2; minus strand). Cytogenetic location: 22q12.1.
Variant type: Deletion.
Coding change: c.1019_1034del on transcript NM_007194.4 (MANE Select); coding-DNA positions 1019 to 1034, 16 bases deleted (AAAACGGTATTATACA).
Protein change: p.Glu340fs; shifts the reading frame from glutamic acid 340.
Molecular consequence: frameshift variant. On other transcripts: intron variant (3).
Genome position (GRCh38, 1-based): chr22:28,696,962-28,696,977, TGTATAATACCGTTTT deleted on the plus strand (AAAACGGTATTATACA on the coding strand, the reverse complement: CHEK2 is on the minus strand). VCF-style (leftmost placement, unchanged base first): chr22-28696961-GTGTATAATACCGTTTT-G. GRCh37 (hg19) VCF-style: chr22-29092949-GTGTATAATACCGTTTT-G.
Other names: c.1148_1163del, p.Glu383fs (NM_001005735.3); c.356_371del, p.Glu119fs (NM_001257387.3, NM_001437942.1); c.818_833del, p.Glu273fs (NM_001349956.3); c.1112_1127del, p.Glu371fs (NM_001438293.1); c.1009-1104_1009-1089del (NM_145862.3); c.1102-1104_1102-1089del (NM_001438295.1); c.1138-1104_1138-1089del (NM_001438294.1); short protein forms E340fs, E119fs, E273fs, E383fs, E371fs.
Identifiers: ClinVar variation 655127 (VCV000655127.7), dbSNP rs1601727263, ClinGen allele CA915952853.